The following is an entry in ClinVar:

ClinVar aggregate classification (germline): Conflicting classifications of pathogenicity. Review status: criteria provided, conflicting classifications (1 of 4 stars). 2 submissions from 2 submitters: Uncertain significance (1); Likely benign (1). Last evaluated 2023-02-01.

Allele frequency attached by ClinVar (database versions not stated): TOPMed below 0.00001; gnomAD exomes 0.00001; gnomAD 0.00002; ExAC 0.00003.
gnomAD v4.1: 10 of 1,589,356 alleles (0.00063%); highest among the groups gnomAD compares: Admixed American, 0.015%; no homozygotes.

Submissions (2):

CeGaT Center for Human Genetics Tuebingen
Classification: Likely benign. Last evaluated: 2023-02-01. Review status: criteria provided, single submitter. Criteria: CeGaT Center For Human Genetics Tuebingen Variant Classification Criteria Version 2. Collection method: clinical testing. Allele origin: germline. Affected: yes. Observed: 1 variant allele.
Comment: STAG1: PP2, BS2

Labcorp Genetics (formerly Invitae), Labcorp
Classification: Uncertain significance. Last evaluated: 2022-06-29. Review status: criteria provided, single submitter. Criteria: Invitae Variant Classification Sherloc (09022015). Collection method: clinical testing. Allele origin: germline.
Comment: This sequence change replaces asparagine, which is neutral and polar, with serine, which is neutral and polar, at codon 47 of the STAG1 protein (p.Asn47Ser). This variant is present in population databases (rs768339073, gnomAD 0.03%). This variant has not been reported in the literature in individuals affected with STAG1-related conditions. Advanced modeling of protein sequence and biophysical properties (such as structural, functional, and spatial information, amino acid conservation, physicochemical variation, residue mobility, and thermodynamic stability) performed at Invitae indicates that this missense variant is not expected to disrupt STAG1 protein function. In summary, the available evidence is currently insufficient to determine the role of this variant in disease. Therefore, it has been classified as a Variant of Uncertain Significance.

NM_005862.3(STAG1):c.140A>G (p.Asn47Ser)

Gene: STAG1 (STAG1 cohesin complex component; minus strand). Cytogenetic location: 3q22.3.
Variant type: single nucleotide variant.
Coding change: c.140A>G on transcript NM_005862.3 (MANE Select); coding-DNA position 140, A replaced by G.
Protein change: p.Asn47Ser; replaces asparagine 47 with serine.
Molecular consequence: missense variant.
Genome position (GRCh38, 1-based): chr3:136,604,466, T>C on the plus strand (A>G on the coding strand, the complement: STAG1 is on the minus strand). VCF-style: chr3-136604466-T-C. GRCh37 (hg19) VCF-style: chr3-136323308-T-C.
Other names: short protein forms N47S.
Identifiers: ClinVar variation 2075512 (VCV002075512.28), dbSNP rs768339073, ClinGen allele CA2633272.